The following is an entry in ClinVar:

ClinVar aggregate classification (germline): Benign (1 of 4 stars; one submission).

Allele frequency attached by ClinVar (database versions not stated): gnomAD 0.57378 and 0.57421; TOPMed 0.57840; 1000 Genomes Project 0.56569; 1000 Genomes Project 30x 0.56918.
gnomAD v4.1: 87,354 of 152,078 alleles (57%); highest among the groups gnomAD compares: East Asian, 62%; 25,250 homozygotes.

Submission:

GeneDx
Classification: Benign. Last evaluated: 2018-06-14. Review status: criteria provided, single submitter. Criteria: GeneDx Variant Classification (06012015). Collection method: clinical testing. Allele origin: germline. Affected: yes.
Comment: This variant is considered likely benign or benign based on one or more of the following criteria: it is a conservative change, it occurs at a poorly conserved position in the protein, it is predicted to be benign by multiple in silico algorithms, and/or has population frequency not consistent with disease.

NM_182961.4(SYNE1):c.10927-175A>G

Gene: SYNE1 (spectrin repeat containing nuclear envelope protein 1; minus strand). Cytogenetic location: 6q25.2.
Variant type: single nucleotide variant.
Coding change: c.10927-175A>G on transcript NM_182961.4 (MANE Select); 175 bases into the intron before coding-DNA position 10927, A replaced by G.
Molecular consequence: intron variant.
Genome position (GRCh38, 1-based): chr6:152,353,919, T>C on the plus strand (A>G on the coding strand, the complement: SYNE1 is on the minus strand). VCF-style: chr6-152353919-T-C. GRCh37 (hg19) VCF-style: chr6-152675054-T-C.
Other names: c.10882-175A>G (NM_033071.5).
Identifiers: ClinVar variation 670165 (VCV000670165.1), dbSNP rs6905339, ClinGen allele CA12406389.